The following is an entry in ClinVar:

ClinVar aggregate classification (germline): Likely benign. Review status: criteria provided, multiple submitters, no conflicts (2 of 4 stars). 2 submissions from 2 submitters: Likely benign (2). Last evaluated 2025-07-16.

Conditions:
Amyotrophic lateral sclerosis type 12 (ALS12). Also called: AMYOTROPHIC LATERAL SCLEROSIS 12 WITH OR WITHOUT FRONTOTEMPORAL DEMENTIA. Identifiers: Orphanet 803, MedGen C3150692, MONDO:0013264, OMIM 613435.
Primary open angle glaucoma (POAG). Also called: OPTN-related open angle glaucoma. Identifiers: MedGen C0339573, MONDO:0100553, OMIM 137760.
Glaucoma 1, open angle, E. Identifiers: MedGen C1842026, MONDO:0007665.

Allele frequency attached by ClinVar (database versions not stated): TOPMed 0.00003; ExAC 0.00004; gnomAD exomes 0.00004; gnomAD 0.00005; ESP Exome Variant Server 0.00008; 1000 Genomes Project 30x 0.00016.
gnomAD v4.1: 62 of 1,613,946 alleles (0.0038%); highest among the groups gnomAD compares: Middle Eastern, 0.016%; no homozygotes.

Submissions (2):

Labcorp Genetics (formerly Invitae), Labcorp
Classification: Likely benign for Primary open angle glaucoma; Glaucoma 1, open angle, E; Amyotrophic lateral sclerosis type 12. Last evaluated: 2025-07-16. Review status: criteria provided, single submitter. Criteria: Invitae Variant Classification Sherloc (09022015). Collection method: clinical testing. Allele origin: germline.

CeGaT Center for Human Genetics Tuebingen
Classification: Likely benign. Last evaluated: 2023-11-01. Review status: criteria provided, single submitter. Criteria: CeGaT Center For Human Genetics Tuebingen Variant Classification Criteria Version 2. Collection method: clinical testing. Allele origin: germline. Affected: yes. Observed: 1 variant allele.
Comment: OPTN: BP4, BP7

NM_001008212.2(OPTN):c.408G>A (p.Ala136=)

Gene: OPTN (optineurin; plus strand). Cytogenetic location: 10p13.
Variant type: single nucleotide variant.
Coding change: c.408G>A on transcript NM_001008212.2 (MANE Select); coding-DNA position 408, G replaced by A.
Protein change: p.Ala136=; no amino-acid change (alanine 136 retained).
Molecular consequence: synonymous variant.
Genome position (GRCh38, 1-based): chr10:13,112,491, G>A. VCF-style: chr10-13112491-G-A. GRCh37 (hg19) VCF-style: chr10-13154491-G-A.
Other names: c.408G>A, p.Ala136= (NM_001008211.1, NM_001008213.1, NM_021980.4).
Identifiers: ClinVar variation 1976333 (VCV001976333.28), dbSNP rs144561412, ClinGen allele CA5410620.